The following is an entry in ClinVar:

NM_198880.3(QRICH1):c.1578T>C (p.Tyr526=)

Gene: QRICH1 (glutamine rich 1; minus strand). Cytogenetic location: 3p21.31.
Variant type: single nucleotide variant.
Coding change: c.1578T>C on transcript NM_198880.3 (MANE Select); coding-DNA position 1578, T replaced by C.
Protein change: p.Tyr526=; no amino-acid change (tyrosine 526 retained).
Molecular consequence: synonymous variant.
Genome position (GRCh38, 1-based): chr3:49,046,518, A>G on the plus strand (T>C on the coding strand, the complement: QRICH1 is on the minus strand). VCF-style: chr3-49046518-A-G. GRCh37 (hg19) VCF-style: chr3-49083951-A-G.
Other names: c.1578T>C, p.Tyr526= (NM_001320580.2, NM_001320581.2, NM_001320582.2 and 4 more transcripts).
Identifiers: ClinVar variation 1335523 (VCV001335523.35), dbSNP rs201882007, ClinGen allele CA2391122.

ClinVar aggregate classification (germline): Likely benign (1 of 4 stars; one submission).

Allele frequency attached by ClinVar (database versions not stated): ExAC 0.00007; gnomAD exomes 0.00008 and 0.00010; TOPMed 0.00011; gnomAD 0.00014 and 0.00015; ESP Exome Variant Server 0.00015.
gnomAD v4.1: 167 of 1,614,020 alleles (0.01%); highest among the groups gnomAD compares: Non-Finnish European, 0.013%; no homozygotes.

Submission:

CeGaT Center for Human Genetics Tuebingen
Classification: Likely benign. Last evaluated: 2026-03-01. Review status: criteria provided, single submitter. Criteria: CeGaT Center For Human Genetics Tuebingen Variant Classification Criteria Version 2. Collection method: clinical testing. Allele origin: germline. Affected: yes. Observed: 4 variant alleles.
Comment: QRICH1: BP4, BP7